The following is an entry in ClinVar:

NM_002055.5(GFAP):c.*2548T>C

Genes: DNAAF19 (dynein axonemal assembly factor 19; plus strand), FAM187A (family with sequence similarity 187 member A; plus strand), GFAP (glial fibrillary acidic protein; minus strand). Cytogenetic location: 17q21.31.
Variant type: single nucleotide variant.
Coding change: c.*2548T>C on transcript NM_002055.5 (MANE Select); 2548 bases downstream of the stop codon, T replaced by C.
Molecular consequence: 3 prime UTR variant. On other transcripts: missense variant (1).
Genome position (GRCh38, 1-based): chr17:44,904,799, A>G on the plus strand (T>C on the coding strand, the complement: GFAP is on the minus strand). VCF-style: chr17-44904799-A-G. GRCh37 (hg19) VCF-style: chr17-42982167-A-G.
Other names: c.*1982A>G (NM_213607.3, NM_001258395.2, NM_001258396.2); c.970A>G, p.Ile324Val (NM_001258400.2); c.*2461A>G (NM_001258397.3); c.*2400A>G (NM_001258398.3, NM_001258399.2); short protein forms I324V.
Identifiers: ClinVar variation 3904829 (VCV003904829.10).

ClinVar aggregate classification (germline): Likely benign (1 of 4 stars; one submission).

gnomAD v4.1: 1,688 of 1,550,628 alleles (0.11%); highest among the groups gnomAD compares: Admixed American, 0.27%; 2 homozygotes.

Submission:

CeGaT Center for Human Genetics Tuebingen
Classification: Likely benign. Last evaluated: 2026-09-01. Review status: criteria provided, single submitter. Criteria: CeGaT Center For Human Genetics Tuebingen Variant Classification Criteria Version 2. Collection method: clinical testing. Allele origin: germline. Affected: yes. Observed: 7 variant alleles.
Comment: GFAP: BS1